The following is an entry in ClinVar:

ClinVar aggregate classification (germline): Pathogenic (1 of 4 stars; one submission).

Submission:

Labcorp Genetics (formerly Invitae), Labcorp
Classification: Pathogenic. Last evaluated: 2020-01-13. Review status: criteria provided, single submitter. Criteria: Invitae Variant Classification Sherloc (09022015). Collection method: clinical testing. Allele origin: germline.
Comment: This variant has not been reported in the literature in individuals with REST-related conditions. This variant is not present in population databases (ExAC no frequency). This sequence change creates a premature translational stop signal (p.Glu148Argfs*89) in the REST gene. It is expected to result in an absent or disrupted protein product. For these reasons, this variant has been classified as Pathogenic. Loss-of-function variants in REST are known to be pathogenic (PMID: 26551668).

Literature cited by the submitters: PubMed 26551668.

NM_005612.5(REST):c.440_441dup (p.Glu148fs)

Gene: REST (RE1 silencing transcription factor; plus strand). Cytogenetic location: 4q12.
Variant type: Duplication.
Coding change: c.440_441dup on transcript NM_005612.5 (MANE Select); coding-DNA positions 440 to 441, 2 bases duplicated (CG; older notation c.440_441dupCG).
Protein change: p.Glu148fs; shifts the reading frame from glutamic acid 148.
Molecular consequence: frameshift variant.
Genome position (GRCh38, 1-based): chr4:56,911,078-56,911,079, CG duplicated; duplicating any 2 consecutive bases within chr4:56,911,077-56,911,079 gives the same sequence; the c. name uses the placement nearest the transcript's 3' end. VCF-style (leftmost placement, unchanged base first): chr4-56911076-A-AGC. GRCh37 (hg19) VCF-style: chr4-57777242-A-AGC.
Other names: c.440_441dup, p.Glu148Argfs (NM_001193508.2, NM_001363453.3); short protein forms E148fs.
Identifiers: ClinVar variation 839965 (VCV000839965.7), dbSNP rs1719882659, ClinGen allele CA916082645.